The following is an entry in ClinVar:

NM_002485.5(NBN):c.2206G>T (p.Glu736Ter)

Gene: NBN (nibrin; minus strand). Cytogenetic location: 8q21.3.
Variant type: single nucleotide variant.
Coding change: c.2206G>T on transcript NM_002485.5 (MANE Select); coding-DNA position 2206, G replaced by T.
Protein change: p.Glu736Ter; replaces glutamic acid 736 with a stop codon.
Molecular consequence: nonsense.
Genome position (GRCh38, 1-based): chr8:89,937,054, C>A on the plus strand (G>T on the coding strand, the complement: NBN is on the minus strand). VCF-style: chr8-89937054-C-A. GRCh37 (hg19) VCF-style: chr8-90949282-C-A.
Other names: c.1960G>T, p.Glu654Ter (NM_001024688.3); short protein forms E736*, E654*.
Identifiers: ClinVar variation 550305 (VCV000550305.33), dbSNP rs756831345, ClinGen allele CA4802587.

ClinVar aggregate classification (germline): Uncertain significance. Review status: criteria provided, multiple submitters, no conflicts (2 of 4 stars). 7 submissions from 7 submitters: Uncertain significance (4). 3 of the submissions do not count toward it. Last evaluated 2025-10-10.

Conditions:
Hereditary cancer-predisposing syndrome. Also called: Tumor predisposition; Hereditary neoplastic syndrome; Neoplastic Syndromes, Hereditary; Hereditary Cancer Syndrome. Identifiers: Orphanet 140162, MedGen C0027672, MeSH D009386, MONDO:0015356.
Microcephaly, normal intelligence and immunodeficiency (NBS). Also called: Nijmegen breakage syndrome; Microcephaly with normal intelligence immunodeficiency and lymphoreticular malignancies; Nonsyndromal microcephaly autosomal recessive with normal intelligence; Seemanova syndrome 2; Immunodeficiency, microcephaly with normal intelligence; Ataxia telangiectasia variant V1. Identifiers: Orphanet 647, MedGen C0398791, MONDO:0009623, OMIM 251260.
Gastric cancer. Also called: Malignant tumor of stomach; Stomach cancer. Identifiers: MedGen C0024623, MeSH D013274, MONDO:0001056, OMIM 613659, HP:0012126.

Allele frequency attached by ClinVar (database versions not stated): gnomAD exomes below 0.00001 and 0.00002; ExAC 0.00002.

Submissions (7):

Myriad Genetics, Inc.
Classification: Uncertain significance for Microcephaly, normal intelligence and immunodeficiency. Last evaluated: 2025-10-10. Review status: criteria provided, single submitter. Criteria: Myriad Autosomal Dominant, Autosomal Recessive and X-Linked Classification Criteria (2023). Collection method: clinical testing. Allele origin: unknown.
Comment: NM_002485.4(NBN):c.2206G>T(E736*) is a nonsense variant classified as a variant of uncertain significance in the context of Nijmegen breakage syndrome. E736* has been observed in a case with relevant disease (PMID: 36814285). Relevant functional assessments of this variant are not available in the literature. E736* has been observed in referenced population frequency databases. In summary, there is insufficient evidence to classify NM_002485.4(NBN):c.2206G>T(E736*) as pathogenic or benign. Please note: this variant was assessed in the context of healthy population screening.

Labcorp Genetics (formerly Invitae), Labcorp
Classification: Uncertain significance for Microcephaly, normal intelligence and immunodeficiency. Last evaluated: 2024-08-21. Review status: criteria provided, single submitter. Criteria: Invitae Variant Classification Sherloc (09022015). Collection method: clinical testing. Allele origin: germline.
Comment: This sequence change creates a premature translational stop signal (p.Glu736*) in the NBN gene. RNA analysis indicates that this premature translational stop signal induces altered splicing and likely disrupts the C-terminus of the protein. This variant is present in population databases (rs756831345, gnomAD 0.006%). This variant has not been reported in the literature in individuals affected with NBN-related conditions. ClinVar contains an entry for this variant (Variation ID: 550305). Algorithms developed to predict the effect of variants on gene product structure and function are not available or were not evaluated for this variant. A deletion of 20 amino acids at the C-terminal of NBN protein has been reported to impair ATM binding (PMID: 15758953). The conserved ATM binding motif described in the literature is also deleted in this c.2206G>T variant (PMID: 15758953). Studies have shown that this premature translational stop signal results in skipping of exon 15 and introduces a new termination codon (internal data). However the mRNA is not expected to undergo nonsense-mediated decay. This variant disrupts the ATM interaction domain of the NBN protein (PMID: 24894818, 21035407), which is important for activating ATM in the double-strand break repair pathway (PMID: 15964794, 15048089). While functional studies have not been performed to directly test the effect of this variant on NBN protein function, this suggests that disruption of this region of the protein is causative of disease. In summary, the available evidence is currently insufficient to determine the role of this variant in disease. Therefore, it has been classified as a Variant of Uncertain Significance.

Ambry Genetics
Classification: Uncertain significance for Hereditary cancer-predisposing syndrome. Last evaluated: 2023-04-25. Review status: criteria provided, single submitter. Criteria: Ambry Variant Classification Scheme 2023. Collection method: clinical testing. Allele origin: germline.
Comment: The p.E736* variant (also known as c.2206G>T), located in coding exon 15 of the NBN gene, results from a G to T substitution at nucleotide position 2206. This changes the amino acid from a glutamic acid to a stop codon within coding exon 15. This alteration occurs at the 3' terminus of theNBN gene, is not expected to trigger nonsense-mediated mRNAdecay, and only impacts the last 19 amino acids of the protein. The exact functional effect of this alteration is unknown; however, this alteration disrupts the C-terminus of the NBN protein which has been shown to be necessary for binding to the ATM protein (Falck J et al. Nature. 2005 Mar;434:605-11). This alteration was observed with an allele frequency of 0.028 in 7,051 unselected female breast cancer patients and was observed with an allele frequency of 0.089 in 11,241 female controls of Japanese ancestry. In addition, it was not observed in unselected male breast cancer patients and was observed with an allele frequency of 0.0010 in 12490 male controls of Japanese ancestry (Momozawa Y et al. Nat Commun. 2018 10;9:4083). This alteration was also identified in a cohort of Chinese gastric adenocarcinoma patients (Ji K et al. Chin J Cancer Res. 2020 Aug;32:508-515). Since supporting evidence is limited at this time, the clinical significance of this alteration remains unclear.

Genome-Nilou Lab
Classification: Uncertain significance for Microcephaly, normal intelligence and immunodeficiency. Last evaluated: 2021-11-07. Review status: criteria provided, single submitter. Criteria: ACMG Guidelines, 2015. Collection method: clinical testing. Allele origin: germline. Affected: no.

Laboratory for Genotyping Development, RIKEN
Classification: Pathogenic for Gastric cancer. Last evaluated: 2021-07-01. Review status: no assertion criteria provided. Collection method: research. Allele origin: germline. Not counted in ClinVar's aggregate classification.

Natera, Inc.
Classification: Uncertain significance for Nijmegen breakage syndrome. Last evaluated: 2020-09-16. Review status: no assertion criteria provided. Collection method: clinical testing. Allele origin: germline. Not counted in ClinVar's aggregate classification.

Counsyl
Classification: Uncertain significance for Microcephaly, normal intelligence and immunodeficiency. Last evaluated: 2016-12-28. Review status: no assertion criteria provided. Collection method: clinical testing. Allele origin: unknown. Not counted in ClinVar's aggregate classification.

Literature cited by the submitters: PubMed 36814285 (cited by Myriad Genetics, Inc.); PubMed 15758953 (cited by Labcorp Genetics (formerly Invitae), Labcorp and Ambry Genetics); PubMed 24894818 (cited by Labcorp Genetics (formerly Invitae), Labcorp); PubMed 21035407 (cited by Labcorp Genetics (formerly Invitae), Labcorp); PubMed 15964794 (cited by Labcorp Genetics (formerly Invitae), Labcorp); PubMed 15048089 (cited by Labcorp Genetics (formerly Invitae), Labcorp); PubMed 30287823 (cited by Ambry Genetics); PubMed 32963463 (cited by Ambry Genetics); PubMed 36988593 (cited by Laboratory for Genotyping Development, RIKEN).